The following is an entry in ClinVar:

NM_000138.5(FBN1):c.7975T>G (p.Cys2659Gly)

Gene: FBN1 (fibrillin 1; minus strand). Cytogenetic location: 15q21.1.
Variant type: single nucleotide variant.
Coding change: c.7975T>G on transcript NM_000138.5 (MANE Select); coding-DNA position 7975, T replaced by G.
Protein change: p.Cys2659Gly; replaces cysteine 2659 with glycine.
Molecular consequence: missense variant.
Genome position (GRCh38, 1-based): chr15:48,415,612, A>C on the plus strand (T>G on the coding strand, the complement: FBN1 is on the minus strand). VCF-style: chr15-48415612-A-C. GRCh37 (hg19) VCF-style: chr15-48707809-A-C.
Other names: short protein forms C2659G.
Identifiers: ClinVar variation 549447 (VCV000549447.4), dbSNP rs1555393847, ClinGen allele CA392322854.

ClinVar aggregate classification (germline): Pathogenic. Review status: criteria provided, single submitter (1 of 4 stars). 2 submissions from 2 submitters: Pathogenic (1). 1 of the submissions does not count toward it. Last evaluated 2022-11-07.

Conditions:
Marfan syndrome (MFS). Also called: Marfan syndrome type 1; Marfan syndrome, classic; Marfan's syndrome; FBN1-Related Marfan Syndrome; MARFAN SYNDROME, TYPE I. Identifiers: Orphanet 284963, Orphanet 558, MedGen C0024796, MONDO:0007947, OMIM 154700.
Familial thoracic aortic aneurysm and aortic dissection (TAAD). Also called: Thoracic aortic aneurysms and dissections. Identifiers: Orphanet 91387, MedGen C4707243, MONDO:0019625.

Submissions (2):

Labcorp Genetics (formerly Invitae), Labcorp
Classification: Pathogenic for Marfan syndrome; Familial thoracic aortic aneurysm and aortic dissection. Last evaluated: 2022-11-07. Review status: criteria provided, single submitter. Criteria: Invitae Variant Classification Sherloc (09022015). Collection method: clinical testing. Allele origin: germline.
Comment: This variant is not present in population databases (gnomAD no frequency). For these reasons, this variant has been classified as Pathogenic. This variant affects a cysteine residue in the EGF-like, TGFBP or hybrid motif domains of FBN1. Cysteine residues are believed to be involved in intramolecular disulfide bridges and have been shown to be important for FBN1 protein structure (PMID: 16905551, 19349279). In addition, missense substitutions affecting cysteine residues within these domains are significantly overrepresented among patients with Marfan syndrome (PMID: 16571647, 17701892). Advanced modeling of protein sequence and biophysical properties (such as structural, functional, and spatial information, amino acid conservation, physicochemical variation, residue mobility, and thermodynamic stability) performed at Invitae indicates that this missense variant is expected to disrupt FBN1 protein function. ClinVar contains an entry for this variant (Variation ID: 549447). This missense change has been observed in individuals with FBN1-related conditions (PMID: 26787436; Invitae). This sequence change replaces cysteine, which is neutral and slightly polar, with glycine, which is neutral and non-polar, at codon 2659 of the FBN1 protein (p.Cys2659Gly).

Center for Medical Genetics Ghent, University of Ghent
Classification: Likely pathogenic for Marfan syndrome. Last evaluated: 2017-11-07. Review status: no assertion criteria provided. Collection method: clinical testing. Allele origin: germline. Affected: yes. Not counted in ClinVar's aggregate classification.

Literature cited by the submitters: PubMed 16905551 (cited by Labcorp Genetics (formerly Invitae), Labcorp); PubMed 19349279 (cited by Labcorp Genetics (formerly Invitae), Labcorp); PubMed 16571647 (cited by Labcorp Genetics (formerly Invitae), Labcorp); PubMed 17701892 (cited by Labcorp Genetics (formerly Invitae), Labcorp); PubMed 26787436 (cited by Labcorp Genetics (formerly Invitae), Labcorp).